The following is an entry in ClinVar:

NM_006030.4(CACNA2D2):c.208A>G (p.Met70Val)

Gene: CACNA2D2 (calcium voltage-gated channel auxiliary subunit alpha2delta 2; minus strand). Cytogenetic location: 3p21.31.
Variant type: single nucleotide variant.
Coding change: c.208A>G on transcript NM_006030.4 (MANE Select); coding-DNA position 208, A replaced by G.
Protein change: p.Met70Val; replaces methionine 70 with valine.
Molecular consequence: missense variant. On other transcripts: initiator codon variant (1).
Genome position (GRCh38, 1-based): chr3:50,476,198, T>C on the plus strand (A>G on the coding strand, the complement: CACNA2D2 is on the minus strand). VCF-style: chr3-50476198-T-C. GRCh37 (hg19) VCF-style: chr3-50513629-T-C.
Other names: c.208A>G, p.Met70Val (NM_001005505.3, NM_001174051.3); c.1A>G, p.Met1Val (NM_001291101.1); short protein forms M70V, M1V.
Identifiers: ClinVar variation 955043 (VCV000955043.8), dbSNP rs201445431, ClinGen allele CA2419297.

ClinVar aggregate classification (germline): Uncertain significance (1 of 4 stars; one submission).

Conditions:
Early-infantile DEE. Also called: Early infantile epileptic encephalopathy; Ohtahara syndrome; Early infantile epileptic encephalopathy with suppression bursts. Identifiers: Orphanet 1934, MedGen C0393706, MONDO:0800491.

Allele frequency attached by ClinVar (database versions not stated): gnomAD 0.00001; gnomAD exomes 0.00001; ExAC 0.00002; 1000 Genomes Project 30x 0.00016; 1000 Genomes Project 0.00020.

Submission:

Labcorp Genetics (formerly Invitae), Labcorp
Classification: Uncertain significance for Early-infantile DEE. Last evaluated: 2019-09-15. Review status: criteria provided, single submitter. Criteria: Invitae Variant Classification Sherloc (09022015). Collection method: clinical testing. Allele origin: germline.
Comment: In summary, the available evidence is currently insufficient to determine the role of this variant in disease. Therefore, it has been classified as a Variant of Uncertain Significance. Algorithms developed to predict the effect of missense changes on protein structure and function output the following: SIFT: "Tolerated"; PolyPhen-2: "Benign"; Align-GVGD: "Class C0". The valine amino acid residue is found in multiple mammalian species, suggesting that this missense change does not adversely affect protein function. These predictions have not been confirmed by published functional studies and their clinical significance is uncertain. This variant has not been reported in the literature in individuals with CACNA2D2-related conditions. This variant is present in population databases (rs201445431, ExAC 0.03%). This sequence change replaces methionine with valine at codon 70 of the CACNA2D2 protein (p.Met70Val). The methionine residue is moderately conserved and there is a small physicochemical difference between methionine and valine.